The following is an entry in ClinVar:

ClinVar aggregate classification (germline): Uncertain significance (1 of 4 stars; one submission).

Submission:

Women's Health and Genetics/Laboratory Corporation of America, LabCorp
Classification: Uncertain significance. Last evaluated: 2019-12-09. Review status: criteria provided, single submitter. Criteria: LabCorp Variant Classification Summary - May 2015. Collection method: clinical testing. Allele origin: germline.
Comment: Variant summary: DSG2 c.1194C>G (p.Ser398Arg) results in a non-conservative amino acid change in the encoded protein sequence. Four of five in-silico tools predict a benign effect of the variant on protein function. The variant was absent in 249396 control chromosomes (gnomAD). The available data on variant occurrences in the general population are insufficient to allow any conclusion about variant significance. To our knowledge, no occurrence of c.1194C>G in individuals affected with Cardiomyopathy and no experimental evidence demonstrating its impact on protein function have been reported. No clinical diagnostic laboratories have submitted clinical-significance assessments for this variant to ClinVar after 2014. Based on the evidence outlined above, the variant was classified as uncertain significance.

NM_001943.5(DSG2):c.1194C>G (p.Ser398Arg)

Gene: DSG2 (desmoglein 2; plus strand). Cytogenetic location: 18q12.1.
Variant type: single nucleotide variant.
Coding change: c.1194C>G on transcript NM_001943.5 (MANE Select); coding-DNA position 1194, C replaced by G.
Protein change: p.Ser398Arg; replaces serine 398 with arginine.
Molecular consequence: missense variant.
Genome position (GRCh38, 1-based): chr18:31,531,166, C>G. VCF-style: chr18-31531166-C-G. GRCh37 (hg19) VCF-style: chr18-29111129-C-G.
Other names: short protein forms S398R.
Identifiers: ClinVar variation 928945 (VCV000928945.1), dbSNP rs770669833, ClinGen allele CA402139123.